The following is an entry in ClinVar:

NM_025179.4(PLXNA2):c.3760ATC[1] (p.Ile1255del)

Gene: PLXNA2 (plexin A2; minus strand). Cytogenetic location: 1q32.2.
Variant type: Microsatellite.
Coding change: c.3760ATC[1] on transcript NM_025179.4 (MANE Select); one copy of the 3-base unit ATC starting at c.3760; the reference has two copies in a row; one copy, 3 bases deleted.
Protein change: p.Ile1255del; deletes isoleucine 1255.
Molecular consequence: inframe deletion.
Genome position (GRCh38, 1-based): chr1:208,044,617-208,044,619, GAT deleted on the plus strand (ATC on the coding strand, the reverse complement: PLXNA2 is on the minus strand); deleting any 3 consecutive bases within chr1:208,044,617-208,044,624 gives the same sequence; the position shown is the placement nearest the transcript's 3' end. VCF-style (leftmost placement, unchanged base first): chr1-208044616-CGAT-C. GRCh37 (hg19) VCF-style: chr1-208217961-CGAT-C.
Other names: short protein forms I1255del.
Identifiers: ClinVar variation 3347913 (VCV003347913.1).

ClinVar aggregate classification (germline): Uncertain significance (0 of 4 stars; one submission).

Conditions:
PLXNA2-related disorder. Also called: PLXNA2-related condition.

Submission:

PreventionGenetics, part of Exact Sciences
Classification: Uncertain significance for PLXNA2-related condition. Last evaluated: 2024-09-05. Review status: no assertion criteria provided. Collection method: clinical testing. Allele origin: germline.
Comment: The PLXNA2 c.3763_3765delATC variant is predicted to result in an in-frame deletion (p.Ile1255del). To our knowledge, this variant has not been reported in the literature or in a large population database, indicating this variant is rare. At this time, the clinical significance of this variant is uncertain due to the absence of conclusive functional and genetic evidence.